The following is an entry in ClinVar:

NM_144691.4(CAPN12):c.561-7C>T

Gene: CAPN12 (calpain 12; minus strand). Cytogenetic location: 19q13.2.
Variant type: single nucleotide variant.
Coding change: c.561-7C>T on transcript NM_144691.4 (MANE Select); 7 bases into the intron before coding-DNA position 561, C replaced by T.
Molecular consequence: intron variant.
Genome position (GRCh38, 1-based): chr19:38,740,226, G>A on the plus strand (C>T on the coding strand, the complement: CAPN12 is on the minus strand). VCF-style: chr19-38740226-G-A. GRCh37 (hg19) VCF-style: chr19-39230866-G-A.
Identifiers: ClinVar variation 3052017 (VCV003052017.2), dbSNP rs746684042, ClinGen allele CA9419149.
Genomic context (GRCh38, chr19:38,740,226, plus strand): 5'-ACAAAAGCCTCATTCATGTGGCCGCCCCGCATCACCTCATAGGAGCCGTGGAGCCTGTGG[G>A]GGCAGATCTGGGGTGAGGGTTGAGGCAAGTACAAGCGTCTCAGGCACCCCTGCCCTGGGA-3'

ClinVar aggregate classification (germline): Likely benign (0 of 4 stars; one submission).

Conditions:
CAPN12-related disorder. Also called: CAPN12-related condition.

Allele frequency attached by ClinVar (database versions not stated): TOPMed below 0.00001; gnomAD 0.00001; gnomAD exomes 0.00001; ExAC 0.00002.
gnomAD v4.1: 12 of 1,593,186 alleles (0.00075%); highest among the groups gnomAD compares: Middle Eastern, 0.017%; no homozygotes.

Submission:

PreventionGenetics, part of Exact Sciences
Classification: Likely benign for CAPN12-related condition. Last evaluated: 2020-01-08. Review status: no assertion criteria provided. Collection method: clinical testing. Allele origin: germline.
Comment: This variant is classified as likely benign based on ACMG/AMP sequence variant interpretation guidelines (Richards et al. 2015 PMID: 25741868, with internal and published modifications).